The following is an entry in ClinVar:

NM_001267550.2(TTN):c.44599G>A (p.Gly14867Arg)

Gene: TTN (titin; minus strand). Cytogenetic location: 2q31.2.
Variant type: single nucleotide variant.
Coding change: c.44599G>A on transcript NM_001267550.2 (MANE Select); coding-DNA position 44599, G replaced by A.
Protein change: p.Gly14867Arg; replaces glycine 14867 with arginine.
Molecular consequence: missense variant.
Genome position (GRCh38, 1-based): chr2:178,624,681, C>T on the plus strand (G>A on the coding strand, the complement: TTN is on the minus strand). VCF-style: chr2-178624681-C-T. GRCh37 (hg19) VCF-style: chr2-179489408-C-T.
Other names: c.39676G>A, p.Gly13226Arg (NM_001256850.1); c.17404G>A, p.Gly5802Arg (NM_003319.4); c.36895G>A, p.Gly12299Arg (NM_133378.4); c.17779G>A, p.Gly5927Arg (NM_133432.3); c.17980G>A, p.Gly5994Arg (NM_133437.4); short protein forms G14867R, G12299R, G13226R, G5994R, G5927R, G5802R.
Identifiers: ClinVar variation 332867 (VCV000332867.20), dbSNP rs144848584, ClinGen allele CA1995602.

ClinVar aggregate classification (germline): Conflicting classifications of pathogenicity. Review status: criteria provided, conflicting classifications (1 of 4 stars). 9 submissions from 5 submitters: Uncertain significance (5); Benign (2); Likely benign (2). Last evaluated 2026-02-03.

Conditions:
Tibial muscular dystrophy (TMD). Also called: Udd Distal Myopathy – Tibial Muscular Dystrophy; UDD MYOPATHY; Tibial muscular dystrophy, tardive. Identifiers: Orphanet 609, MedGen C1838244, MONDO:0010870, OMIM 600334.
Dilated cardiomyopathy 1G (CMD1G). Identifiers: Orphanet 154, MedGen C1858763, MONDO:0011400, OMIM 604145.
Autosomal recessive limb-girdle muscular dystrophy type 2J (LGMDR10). Also called: MUSCULAR DYSTROPHY, LIMB-GIRDLE, AUTOSOMAL RECESSIVE 10; Limb-girdle muscular dystrophy, type 2J. Identifiers: Orphanet 140922, MedGen C1837342, MONDO:0012127, OMIM 608807.
Early-onset myopathy with fatal cardiomyopathy (CMYO5). Also called: CONGENITAL MYOPATHY 5 WITH CARDIOMYOPATHY; Salih Myopathy. Identifiers: Orphanet 289377, MedGen C2673677, MONDO:0012714, OMIM 611705. Disease mechanism: loss of function.
Myopathy, myofibrillar, 9, with early respiratory failure (MFM9). Also called: Myopathy, distal, with early respiratory failure, autosomal dominant; Hereditary myopathy with early respiratory failure; EDSTROM MYOPATHY; MYOPATHY, PROXIMAL, WITH EARLY RESPIRATORY MUSCLE INVOLVEMENT. Identifiers: Orphanet 178464, Orphanet 34521, MedGen C1863599, MONDO:0011362, OMIM 603689.

Allele frequency attached by ClinVar (database versions not stated): gnomAD 0.00001 and 0.00007; TOPMed 0.00002; ExAC 0.00014; gnomAD exomes 0.00014; 1000 Genomes Project 30x 0.00016; 1000 Genomes Project 0.00020.
gnomAD v4.1: 208 of 1,612,414 alleles (0.013%); highest among the groups gnomAD compares: East Asian, 0.46%; no homozygotes.

Submissions (9):

Labcorp Genetics (formerly Invitae), Labcorp
Classification: Likely benign for Dilated cardiomyopathy 1G; Autosomal recessive limb-girdle muscular dystrophy type 2J. Last evaluated: 2026-02-03. Review status: criteria provided, single submitter. Criteria: Invitae Variant Classification Sherloc (09022015). Collection method: clinical testing. Allele origin: germline.

Women's Health and Genetics/Laboratory Corporation of America, LabCorp
Classification: Likely benign. Last evaluated: 2023-06-19. Review status: criteria provided, single submitter. Criteria: LabCorp Variant Classification Summary - May 2015. Collection method: clinical testing. Allele origin: germline.
Comment: Variant summary: TTN c.36895G>A (p.Gly12299Arg) results in a non-conservative amino acid change located in the I-band region of the encoded protein sequence. Three of five in-silico tools predict a damaging effect of the variant on protein function. The variant allele was found at a frequency of 0.00014 in 247862 control chromosomes (gnomAD), predominantly at a frequency of 0.0019 within the East Asian subpopulation in the gnomAD database. The observed variant frequency within East Asian control individuals in the gnomAD database is approximately 5 fold of the estimated maximal expected allele frequency for a pathogenic variant in TTN causing Dilated Cardiomyopathy (0.00039), strongly suggesting that the variant is a benign polymorphism found primarily in populations of East Asian origin. To our knowledge, no occurrence of c.36895G>A in individuals affected with Dilated Cardiomyopathy and no experimental evidence demonstrating its impact on protein function have been reported. Five ClinVar submitters have assessed the variant since 2014: three classified the variant as uncertain significance, one as likely benign, and one as benign. Based on the evidence outlined above, the variant was classified as likely benign.

Revvity Omics, Revvity
Classification: Uncertain significance. Last evaluated: 2019-12-28. Review status: criteria provided, single submitter. Criteria: ACMG Guidelines, 2015. Collection method: clinical testing. Allele origin: germline.

Eurofins Ntd Llc (ga)
Classification: Uncertain significance. Last evaluated: 2018-09-14. Review status: criteria provided, single submitter. Criteria: EGL ClinVar v180209 classification definitions. Collection method: clinical testing. Allele origin: germline. Observed: 2 variant alleles, 2 heterozygotes.

Illumina Laboratory Services, Illumina
Classification: Benign for Tibial muscular dystrophy. Last evaluated: 2018-01-13. Review status: criteria provided, single submitter. Criteria: ICSL Variant Classification Criteria 13 December 2019. Collection method: clinical testing. Allele origin: germline.
Comment: This variant was observed in the ICSL laboratory as part of a predisposition screen in an ostensibly healthy population. It had not been previously curated by ICSL or reported in the Human Gene Mutation Database (HGMD: prior to June 1st, 2018), and was therefore a candidate for classification through an automated scoring system. Utilizing variant allele frequency, disease prevalence and penetrance estimates, and inheritance mode, an automated score was calculated to assess if this variant is too frequent to cause the disease. Based on the score and internal cut-off values, a variant classified as benign is not then subjected to further curation. The score for this variant resulted in a classification of benign for this disease.

Illumina Laboratory Services, Illumina
Classification: Uncertain significance for Dilated cardiomyopathy 1G. Last evaluated: 2018-01-13. Review status: criteria provided, single submitter. Criteria: ICSL Variant Classification Criteria 13 December 2019. Collection method: clinical testing. Allele origin: germline.

Illumina Laboratory Services, Illumina
Classification: Uncertain significance for Autosomal recessive limb-girdle muscular dystrophy type 2J. Last evaluated: 2018-01-13. Review status: criteria provided, single submitter. Criteria: ICSL Variant Classification Criteria 13 December 2019. Collection method: clinical testing. Allele origin: germline.

Illumina Laboratory Services, Illumina
Classification: Uncertain significance for Early-onset myopathy with fatal cardiomyopathy. Last evaluated: 2018-01-13. Review status: criteria provided, single submitter. Criteria: ICSL Variant Classification Criteria 13 December 2019. Collection method: clinical testing. Allele origin: germline.

Illumina Laboratory Services, Illumina
Classification: Benign for Myopathy, myofibrillar, 9, with early respiratory failure. Last evaluated: 2018-01-13. Review status: criteria provided, single submitter. Criteria: ICSL Variant Classification Criteria 13 December 2019. Collection method: clinical testing. Allele origin: germline.
Comment: the same text as in the submission from Illumina Laboratory Services, Illumina above.